The following is an entry in ClinVar:

NM_005666.4(CFHR2):c.501A>G (p.Val167=)

Gene: CFHR2 (complement factor H related 2; plus strand). Cytogenetic location: 1q31.3.
Variant type: single nucleotide variant.
Coding change: c.501A>G on transcript NM_005666.4 (MANE Select); coding-DNA position 501, A replaced by G.
Protein change: p.Val167=; no amino-acid change (valine 167 retained).
Molecular consequence: synonymous variant.
Genome position (GRCh38, 1-based): chr1:196,957,961, A>G. VCF-style: chr1-196957961-A-G. GRCh37 (hg19) VCF-style: chr1-196927091-A-G.
Other names: p.Val167=; c.129A>G, p.Val43= (NM_001312672.1); c.306A>G, p.Val102= (NM_001410924.1).
Identifiers: ClinVar variation 4684025 (VCV004684025.1).

ClinVar aggregate classification (germline): Likely benign (1 of 4 stars; one submission).

gnomAD v4.1: 11 of 1,613,758 alleles (0.00068%); highest among the groups gnomAD compares: African/African-American, 0.0013%; no homozygotes.

Submission:

Mayo Clinic Laboratories, Mayo Clinic
Classification: Likely benign. Last evaluated: 2025-02-17. Review status: criteria provided, single submitter. Criteria: ACMG Guidelines, 2015. Collection method: clinical testing. Allele origin: germline. Observed: 1 variant allele.
Comment: BP4, BP7